The following is an entry in ClinVar:

ClinVar aggregate classification (germline): Uncertain significance (1 of 4 stars; one submission).

Submission:

Ambry Genetics
Classification: Uncertain significance. Last evaluated: 2024-03-30. Review status: criteria provided, single submitter. Criteria: Ambry Variant Classification Scheme 2023. Collection method: clinical testing. Allele origin: germline.
Comment: The p.N330D variant (also known as c.988A>G), located in coding exon 9 of the RAD54L gene, results from an A to G substitution at nucleotide position 988. The asparagine at codon 330 is replaced by aspartic acid, an amino acid with highly similar properties. This amino acid position is conserved. In addition, this alteration is predicted to be deleterious by in silico analysis. Based on the available evidence, the clinical significance of this alteration remains unclear.

NM_003579.4(RAD54L):c.988A>G (p.Asn330Asp)

Gene: RAD54L (RAD54 like; plus strand). Cytogenetic location: 1p34.1.
Variant type: single nucleotide variant.
Coding change: c.988A>G on transcript NM_003579.4 (MANE Select); coding-DNA position 988, A replaced by G.
Protein change: p.Asn330Asp; replaces asparagine 330 with aspartic acid.
Molecular consequence: missense variant.
Genome position (GRCh38, 1-based): chr1:46,267,555, A>G. VCF-style: chr1-46267555-A-G. GRCh37 (hg19) VCF-style: chr1-46733227-A-G.
Other names: c.988A>G, p.Asn330Asp (NM_001142548.2); c.448A>G, p.Asn150Asp (NM_001370766.1); short protein forms N150D, N330D.
Identifiers: ClinVar variation 3312451 (VCV003312451.1).